The following is an entry in ClinVar:

NM_000256.3(MYBPC3):c.926+1_926+5del

Gene: MYBPC3 (myosin binding protein C3; minus strand). Cytogenetic location: 11p11.2.
Variant type: Deletion.
Coding change: c.926+1_926+5del on transcript NM_000256.3 (MANE Select); the canonical splice donor site of the intron after coding-DNA position 926 through 5 bases into the intron after coding-DNA position 926, 5 bases deleted (GTGAG; older notation c.926+1_926+5delGTGAG).
Molecular consequence: splice donor variant.
Genome position (GRCh38, 1-based): chr11:47,346,622-47,346,626, CTCAC deleted on the plus strand (GTGAG on the coding strand, the reverse complement: MYBPC3 is on the minus strand); deleting any 5 consecutive bases within chr11:47,346,622-47,346,629 gives the same sequence; the c. name uses the placement nearest the transcript's 3' end. VCF-style (leftmost placement, unchanged base first): chr11-47346621-ACTCAC-A. GRCh37 (hg19) VCF-style: chr11-47368172-ACTCAC-A.
Other names: c.926+1_926+5delGTGAG (NM_000256.3); c.926+1_926+5del (LRG_386t1).
Identifiers: ClinVar variation 504898 (VCV000504898.5), dbSNP rs1555122811, ClinGen allele CA658797641.

ClinVar aggregate classification (germline): Uncertain significance (1 of 4 stars; one submission).

Submission:

Laboratory for Molecular Medicine, Mass General Brigham Personalized Medicine
Classification: Uncertain significance. Last evaluated: 2019-08-13. Review status: criteria provided, single submitter. Criteria: LMM Criteria. Collection method: clinical testing. Allele origin: germline. Observed: 1 variant allele.
Comment: proposed classification - variant undergoing re-assessment, contact laboratory